The following is an entry in ClinVar:

NM_001008537.3(NEXMIF):c.880dup (p.Tyr294fs)

Gene: NEXMIF (neurite extension and migration factor; minus strand). Cytogenetic location: Xq13.3.
Variant type: Duplication.
Coding change: c.880dup on transcript NM_001008537.3 (MANE Select); coding-DNA position 880, one base duplicated (T; older notation c.880dupT).
Protein change: p.Tyr294fs; shifts the reading frame from tyrosine 294.
Molecular consequence: frameshift variant.
Genome position (GRCh38, 1-based): chrX:74,743,677, A duplicated on the plus strand (T on the coding strand, the reverse complement: NEXMIF is on the minus strand). VCF-style (leftmost placement, unchanged base first): chrX-74743676-T-TA. GRCh37 (hg19) VCF-style: chrX-73963511-T-TA.
Other names: short protein forms Y294fs.
Identifiers: ClinVar variation 2718937 (VCV002718937.3), dbSNP rs2519916095, ClinGen allele CA2697553161.
Genomic context (GRCh38, chrX:74,743,676, plus strand): 5'-TATCGAATTTTCAGGGAGCAGACATCACTGCCTAGTGTTGATTCATCATCATCAAACATG[T>TA]AGTTATCCACATCTTCTTCAGAGAATAGGTTGACAGACAGCTCATTTTTGGAACAGAGGT-3'

ClinVar aggregate classification (germline): Pathogenic (1 of 4 stars; one submission).

Submission:

Labcorp Genetics (formerly Invitae), Labcorp
Classification: Pathogenic. Last evaluated: 2023-06-18. Review status: criteria provided, single submitter. Criteria: Invitae Variant Classification Sherloc (09022015). Collection method: clinical testing. Allele origin: germline.
Comment: This sequence change creates a premature translational stop signal (p.Tyr294Leufs*4) in the NEXMIF gene. It is expected to result in an absent or disrupted protein product. Loss-of-function variants in NEXMIF are known to be pathogenic (PMID: 23615299). This variant is not present in population databases (gnomAD no frequency). This variant has not been reported in the literature in individuals affected with NEXMIF-related conditions. For these reasons, this variant has been classified as Pathogenic.

Literature cited by the submitters: PubMed 23615299.